The following is an entry in ClinVar:

ClinVar aggregate classification (germline): Likely benign (1 of 4 stars; one submission).

Allele frequency attached by ClinVar (database versions not stated): ExAC 0.00001; gnomAD 0.00001; TOPMed 0.00002.
gnomAD v4.1: 16 of 1,614,074 alleles (0.00099%); highest among the groups gnomAD compares: Non-Finnish European, 0.0014%; no homozygotes.

Submission:

CeGaT Center for Human Genetics Tuebingen
Classification: Likely benign. Last evaluated: 2023-03-01. Review status: criteria provided, single submitter. Criteria: CeGaT Center For Human Genetics Tuebingen Variant Classification Criteria Version 2. Collection method: clinical testing. Allele origin: germline. Affected: yes. Observed: 1 variant allele.
Comment: ATP11A: BP4

NM_015205.3(ATP11A):c.1150G>A (p.Asp384Asn)

Gene: ATP11A (ATPase phospholipid transporting 11A; plus strand). Cytogenetic location: 13q34.
Variant type: single nucleotide variant.
Coding change: c.1150G>A on transcript NM_015205.3 (MANE Select); coding-DNA position 1150, G replaced by A.
Protein change: p.Asp384Asn; replaces aspartic acid 384 with asparagine.
Molecular consequence: missense variant.
Genome position (GRCh38, 1-based): chr13:112,826,820, G>A. VCF-style: chr13-112826820-G-A. GRCh37 (hg19) VCF-style: chr13-113481134-G-A.
Other names: c.1150G>A, p.Asp384Asn (NM_001405661.1, NM_001405662.1, NM_001405663.1 and 1 more transcripts); short protein forms D384N.
Identifiers: ClinVar variation 2643966 (VCV002643966.24), dbSNP rs762460091, ClinGen allele CA7056645.